The following is an entry in ClinVar:

ClinVar aggregate classification (germline): Uncertain significance. Review status: criteria provided, multiple submitters, no conflicts (2 of 4 stars). 2 submissions from 2 submitters: Uncertain significance (2). Last evaluated 2025-09-11.

Conditions:
Cardiomyopathy (CMYO). Also called: Cardiomyopathies. Identifiers: Orphanet 167848, MedGen C0878544, MONDO:0004994, HP:0001638. Inheritance: Various modes of inheritance.
Hypertrophic cardiomyopathy. Also called: HYPERTROPHIC MYOCARDIOPATHY. Identifiers: Orphanet 217569, MedGen C0007194, MeSH D002312, MONDO:0005045, HP:0001639.

Allele frequency attached by ClinVar (database versions not stated): gnomAD 0.00001; TOPMed below 0.00001.
gnomAD v4.1: 1 of 1,612,654 alleles (0.000062%); highest among the groups gnomAD compares: Non-Finnish European, 0.000085%; no homozygotes.

Submissions (2):

Color Diagnostics, LLC DBA Color Health
Classification: Uncertain significance for Cardiomyopathy. Last evaluated: 2025-09-11. Review status: criteria provided, single submitter. Criteria: ACMG Guidelines, 2015. Collection method: clinical testing. Allele origin: germline.
Comment: This missense variant replaces glutamic acid with glutamine at codon 1218 of the MYH7 protein. Computational prediction suggests that this variant may have deleterious impact on protein structure and function. To our knowledge, functional studies have not been reported for this variant. This variant has been reported in an individual affected with hypertrophic cardiomyopathy (PMID: 12707239). This variant has been identified in 1/31194 chromosomes in the general population by the Genome Aggregation Database (gnomAD). The available evidence is insufficient to determine the role of this variant in disease conclusively. Therefore, this variant is classified as a Variant of Uncertain Significance.

Labcorp Genetics (formerly Invitae), Labcorp
Classification: Uncertain significance for Hypertrophic cardiomyopathy. Last evaluated: 2022-07-11. Review status: criteria provided, single submitter. Criteria: Invitae Variant Classification Sherloc (09022015). Collection method: clinical testing. Allele origin: germline.
Comment: In summary, the available evidence is currently insufficient to determine the role of this variant in disease. Therefore, it has been classified as a Variant of Uncertain Significance. Algorithms developed to predict the effect of missense changes on protein structure and function are either unavailable or do not agree on the potential impact of this missense change (SIFT: "Deleterious"; PolyPhen-2: "Probably Damaging"; Align-GVGD: "Class C0"). This missense change has been observed in individual(s) with MYH7-related conditions (PMID: 12707239, 20800588, 31737537). This variant is present in population databases (no rsID available, gnomAD 0.007%). This sequence change replaces glutamic acid, which is acidic and polar, with glutamine, which is neutral and polar, at codon 1218 of the MYH7 protein (p.Glu1218Gln).

Literature cited by the submitters: PubMed 12707239 (cited by Color Diagnostics, LLC DBA Color Health and Labcorp Genetics (formerly Invitae), Labcorp); PubMed 20800588 (cited by Labcorp Genetics (formerly Invitae), Labcorp); PubMed 31737537 (cited by Labcorp Genetics (formerly Invitae), Labcorp).

NM_000257.4(MYH7):c.3652G>C (p.Glu1218Gln)

Gene: MYH7 (myosin heavy chain 7; minus strand). Cytogenetic location: 14q11.2.
Variant type: single nucleotide variant.
Coding change: c.3652G>C on transcript NM_000257.4 (MANE Select); coding-DNA position 3652, G replaced by C.
Protein change: p.Glu1218Gln; replaces glutamic acid 1218 with glutamine.
Molecular consequence: missense variant.
Genome position (GRCh38, 1-based): chr14:23,419,919, C>G on the plus strand (G>C on the coding strand, the complement: MYH7 is on the minus strand). VCF-style: chr14-23419919-C-G. GRCh37 (hg19) VCF-style: chr14-23889128-C-G.
Other names: c.3652G>C, p.Glu1218Gln (NM_001407004.1); short protein forms E1218Q.
Identifiers: ClinVar variation 2137557 (VCV002137557.4), dbSNP rs1170782159, ClinGen allele CA389043167.
Genomic context (GRCh38, chr14:23,419,919, plus strand): 5'-TCTGCTCCATGTTGGAGGTGACGTCATCCAGCTCCAGCTTGAACTCGCTCTTCTCCTTCT[C>G]CAGCTTCTGCTTCACCCGCTGCAGGTTGTCGATCTGCTCGCCCAGCTCGGCCACGCTGTC-3'
Protein context (NP_000248.2, residues 1208-1228): DNLQRVKQKL[Glu1218Gln]KEKSEFKLEL